The following is an entry in ClinVar:

ClinVar aggregate classification (germline): Uncertain significance (1 of 4 stars; one submission).

Conditions:
Familial hypocalciuric hypercalcemia (FHH). Also called: Familial benign hypercalcemia. Identifiers: Orphanet 405, MedGen C1809471, MONDO:0018458.
Autosomal dominant hypocalcemia 1 (HYPOC1). Also called: HYPOCALCEMIA, FAMILIAL. Identifiers: MedGen C3715128, MONDO:0011013, OMIM 601198.

Submission:

Labcorp Genetics (formerly Invitae), Labcorp
Classification: Uncertain significance for Familial hypocalciuric hypercalcemia; Autosomal dominant hypocalcemia 1. Last evaluated: 2025-08-14. Review status: criteria provided, single submitter. Criteria: Invitae Variant Classification Sherloc (09022015). Collection method: clinical testing. Allele origin: germline.
Comment: This sequence change replaces alanine, which is neutral and non-polar, with proline, which is neutral and non-polar, at codon 824 of the CASR protein (p.Ala824Pro). This variant is not present in population databases (gnomAD no frequency). This missense change has been observed in individual(s) with CASR-related conditions (PMID: 22422767). ClinVar contains an entry for this variant (Variation ID: 2925366). An algorithm developed to predict the effect of missense changes on protein structure and function (PolyPhen-2) suggests that this variant is likely to be disruptive. In summary, the available evidence is currently insufficient to determine the role of this variant in disease. Therefore, it has been classified as a Variant of Uncertain Significance.

Literature cited by the submitters: PubMed 22422767.

NM_000388.4(CASR):c.2470G>C (p.Ala824Pro)

Gene: CASR (calcium sensing receptor; plus strand). Cytogenetic location: 3q21.1.
Variant type: single nucleotide variant.
Coding change: c.2470G>C on transcript NM_000388.4 (MANE Select); coding-DNA position 2470, G replaced by C.
Protein change: p.Ala824Pro; replaces alanine 824 with proline.
Molecular consequence: missense variant.
Genome position (GRCh38, 1-based): chr3:122,284,424, G>C. VCF-style: chr3-122284424-G-C. GRCh37 (hg19) VCF-style: chr3-122003271-G-C.
Other names: c.2500G>C, p.Ala834Pro (NM_001178065.2); short protein forms A824P, A834P.
Identifiers: ClinVar variation 2925366 (VCV002925366.3), dbSNP rs2107650576, ClinGen allele CA354159993.